The following is an entry in ClinVar:

NM_031889.3(ENAM):c.268del (p.Gln90fs)

Gene: ENAM (enamelin; plus strand). Cytogenetic location: 4q13.3.
Variant type: Deletion.
Coding change: c.268del on transcript NM_031889.3 (MANE Select); coding-DNA position 268, one base deleted (C; older notation c.268delC).
Protein change: p.Gln90fs; shifts the reading frame from glutamine 90.
Molecular consequence: frameshift variant.
Genome position (GRCh38, 1-based): chr4:70,634,365, C deleted; the last of 2 consecutive C bases (chr4:70,634,364-70,634,365); deleting either gives the same sequence. VCF-style (leftmost placement, unchanged base first): chr4-70634363-AC-A. GRCh37 (hg19) VCF-style: chr4-71500080-AC-A.
Other names: short protein forms Q90fs.
Identifiers: ClinVar variation 4998631 (VCV004998631.1).
Genomic context (GRCh38, chr4:70,634,363, plus strand): 5'-TTCAGATGGCACACCTGGGGCCCTTCTTTGGAAACGGTCTCCCTCAGCAATTTCCACAGT[AC>A]CAGATGCCCATGTGGCCTCAGCCACCACCCAACACATGGCATCCACGGAAATCCTCAGCA-3'

ClinVar aggregate classification (germline): Likely pathogenic (1 of 4 stars; one submission).

Conditions:
ENAM-related disorder. Also called: ENAM-related condition.

Submission:

PreventionGenetics, part of Exact Sciences
Classification: Likely pathogenic for ENAM-related condition. Last evaluated: 2024-12-18. Review status: criteria provided, single submitter. Criteria: ACMG Guidelines, 2015. Collection method: clinical testing. Allele origin: germline.
Comment: The ENAM c.268delC variant is predicted to result in a frameshift and premature protein termination (p.Gln90Argfs*50). To our knowledge, this variant has not been reported in the literature or in a large population database (gnomAD), indicating this variant is rare. Frameshift variants in ENAM are expected to be pathogenic. This variant is interpreted as likely pathogenic.